The following is an entry in ClinVar:

NM_022336.4(EDAR):c.1164del (p.Ile388fs)

Genes: RANBP2 (RAN binding protein 2; plus strand), EDAR (ectodysplasin A receptor; minus strand). Cytogenetic location: 2q13.
Variant type: Deletion.
Coding change: c.1164del on transcript NM_022336.4 (MANE Select); coding-DNA position 1164, one base deleted (T; older notation c.1164delT).
Protein change: p.Ile388fs; shifts the reading frame from isoleucine 388.
Molecular consequence: frameshift variant.
Genome position (GRCh38, 1-based): chr2:108,897,090, A deleted on the plus strand (T on the coding strand, the reverse complement: EDAR is on the minus strand); the first of 2 consecutive A bases (chr2:108,897,090-108,897,091); deleting either gives the same sequence. VCF-style (leftmost placement, unchanged base first): chr2-108897089-CA-C. GRCh37 (hg19) VCF-style: chr2-109513545-CA-C.
Other names: short protein forms I388fs.
Identifiers: ClinVar variation 3757074 (VCV003757074.2).

ClinVar aggregate classification (germline): Pathogenic (1 of 4 stars; one submission).

Conditions:
Autosomal recessive hypohidrotic ectodermal dysplasia syndrome. Also called: Autosomal recessive hypohidrotic ectodermal dysplasia. Identifiers: Orphanet 248, MedGen C0406702, MONDO:0016619.
Ectodermal dysplasia 10A, hypohidrotic/hair/nail type, autosomal dominant (ECTD10A). Also called: Ectodermal Dysplasia 3, Anhidrotic. Identifiers: Orphanet 1810, Orphanet 238468, MedGen C3888065, MONDO:0007509, OMIM 129490.

Submission:

Labcorp Genetics (formerly Invitae), Labcorp
Classification: Pathogenic for Ectodermal dysplasia 10A, hypohidrotic/hair/nail type, autosomal dominant; Autosomal recessive hypohidrotic ectodermal dysplasia syndrome. Last evaluated: 2024-06-30. Review status: criteria provided, single submitter. Criteria: Invitae Variant Classification Sherloc (09022015). Collection method: clinical testing. Allele origin: germline.
Comment: This sequence change creates a premature translational stop signal (p.Ile388Metfs*4) in the EDAR gene. While this is not anticipated to result in nonsense mediated decay, it is expected to disrupt the last 61 amino acid(s) of the EDAR protein. This variant is not present in population databases (gnomAD no frequency). This variant has not been reported in the literature in individuals affected with EDAR-related conditions. This variant disrupts a region of the EDAR protein in which other variant(s) (p.Tyr434*) have been determined to be pathogenic (PMID: 32325225). This suggests that this is a clinically significant region of the protein, and that variants that disrupt it are likely to be disease-causing. For these reasons, this variant has been classified as Pathogenic.

Literature cited by the submitters: PubMed 32325225.